The following is an entry in ClinVar:

ClinVar aggregate classification (germline): Benign. Review status: criteria provided, multiple submitters, no conflicts (2 of 4 stars). 8 submissions from 6 submitters: Benign (8). Last evaluated 2026-01-27.

Conditions:
Hereditary spherocytosis type 3. Also called: SPTA1-Related Spherocytosis; Spherocytosis type 3. Identifiers: Orphanet 822, MedGen C2678338, MONDO:0010053, OMIM 270970.
Pyropoikilocytosis, hereditary. Also called: Pyropoikilocytosis. Identifiers: MedGen C0520739, MONDO:0009948, OMIM 266140, HP:0004839. Disease mechanism: loss of function.
Elliptocytosis 2 (EL2). Also called: ELLIPTOCYTOSIS, RHESUS-UNLINKED TYPE. Identifiers: Orphanet 288, MedGen C1851741, MONDO:0007533, OMIM 130600.

Allele frequency attached by ClinVar (database versions not stated): ExAC 0.02816; gnomAD 0.08880 and 0.09495; gnomAD exomes 0.00924 and 0.02343; ESP Exome Variant Server 0.09345; TOPMed 0.09925; 1000 Genomes Project 30x 0.11149; 1000 Genomes Project 0.10583.
gnomAD v4.1: 27,686 of 1,613,754 alleles (1.7%); highest among the groups gnomAD compares: African/African-American, 31%; 3,734 homozygotes.

Submissions (8):

Labcorp Genetics (formerly Invitae), Labcorp
Classification: Benign. Last evaluated: 2026-01-27. Review status: criteria provided, single submitter. Criteria: Invitae Variant Classification Sherloc (09022015). Collection method: clinical testing. Allele origin: germline.

ARUP Laboratories, Molecular Genetics and Genomics, ARUP Laboratories
Classification: Benign. Last evaluated: 2025-07-28. Review status: criteria provided, single submitter. Criteria: ARUP Molecular Germline Variant Investigation Process 2024. Collection method: clinical testing. Allele origin: germline.

Illumina Laboratory Services, Illumina
Classification: Benign for Hereditary spherocytosis type 3. Last evaluated: 2018-01-13. Review status: criteria provided, single submitter. Criteria: ICSL Variant Classification Criteria 13 December 2019. Collection method: clinical testing. Allele origin: germline.
Comment: This variant was observed in the ICSL laboratory as part of a predisposition screen in an ostensibly healthy population. It had not been previously curated by ICSL or reported in the Human Gene Mutation Database (HGMD: prior to June 1st, 2018), and was therefore a candidate for classification through an automated scoring system. Utilizing variant allele frequency, disease prevalence and penetrance estimates, and inheritance mode, an automated score was calculated to assess if this variant is too frequent to cause the disease. Based on the score and internal cut-off values, a variant classified as benign is not then subjected to further curation. The score for this variant resulted in a classification of benign for this disease.

Illumina Laboratory Services, Illumina
Classification: Benign for Elliptocytosis 2. Last evaluated: 2018-01-13. Review status: criteria provided, single submitter. Criteria: ICSL Variant Classification Criteria 13 December 2019. Collection method: clinical testing. Allele origin: germline.
Comment: the same text as in the submission from Illumina Laboratory Services, Illumina above.

Illumina Laboratory Services, Illumina
Classification: Benign for Pyropoikilocytosis, hereditary. Last evaluated: 2018-01-13. Review status: criteria provided, single submitter. Criteria: ICSL Variant Classification Criteria 13 December 2019. Collection method: clinical testing. Allele origin: germline.
Comment: the same text as in the submission from Illumina Laboratory Services, Illumina above.

Mayo Clinic Laboratories, Mayo Clinic
Classification: Benign. Last evaluated: 2016-05-18. Review status: criteria provided, single submitter. Criteria: ACMG Guidelines, 2015. Collection method: clinical testing. Allele origin: germline. Observed: 309 variant alleles.

Breakthrough Genomics
Classification: Benign. Review status: criteria provided, single submitter. Criteria: ACMG Guidelines, 2015. Collection method: not provided. Allele origin: germline. Inheritance: Autosomal recessive inheritance. Affected: yes.

PreventionGenetics, part of Exact Sciences
Classification: Benign. Review status: criteria provided, single submitter. Criteria: ACMG Guidelines, 2015. Collection method: clinical testing. Allele origin: germline.

NM_003126.4(SPTA1):c.2757A>G (p.Glu919=)

Gene: SPTA1 (spectrin alpha, erythrocytic 1; minus strand). Cytogenetic location: 1q23.1.
Variant type: single nucleotide variant.
Coding change: c.2757A>G on transcript NM_003126.4 (MANE Select); coding-DNA position 2757, A replaced by G.
Protein change: p.Glu919=; no amino-acid change (glutamic acid 919 retained).
Molecular consequence: synonymous variant.
Genome position (GRCh38, 1-based): chr1:158,657,525, T>C on the plus strand (A>G on the coding strand, the complement: SPTA1 is on the minus strand). VCF-style: chr1-158657525-T-C. GRCh37 (hg19) VCF-style: chr1-158627315-T-C.
Other names: p.Glu919=.
Identifiers: ClinVar variation 258924 (VCV000258924.29), dbSNP rs16840450, ClinGen allele CA1183298.